The following is an entry in ClinVar:

NM_001365951.3(KIF1B):c.4945A>C (p.Lys1649Gln)

Gene: KIF1B (kinesin family member 1B; plus strand). Cytogenetic location: 1p36.22.
Variant type: single nucleotide variant.
Coding change: c.4945A>C on transcript NM_001365951.3 (MANE Select); coding-DNA position 4945, A replaced by C.
Protein change: p.Lys1649Gln; replaces lysine 1649 with glutamine.
Molecular consequence: missense variant.
Genome position (GRCh38, 1-based): chr1:10,371,261, A>C. VCF-style: chr1-10371261-A-C. GRCh37 (hg19) VCF-style: chr1-10431319-A-C.
Other names: c.4945A>C, p.Lys1649Gln (NM_001365952.1); c.4807A>C, p.Lys1603Gln (NM_015074.3); short protein forms K1649Q, K1603Q.
Identifiers: ClinVar variation 2448799 (VCV002448799.2), dbSNP rs2521952548, ClinGen allele CA338327967.
Genomic context (GRCh38, chr1:10,371,261, plus strand): 5'-CTCACTCCCTCCTCCACCTGTCCCTCTCTGGTAGACTCTAGGAGCAACTCTCTGGATCAG[A>C]AGTAAGTACCCAGATTTCACTGAGAGAAGTCAATCTAAGAACCAAGGTAAATGTCAACCT-3'
Protein context (NP_001352880.1, residues 1639-1659): VDSRSNSLDQ[Lys1649Gln]TPEANSRASS

ClinVar aggregate classification (germline): Uncertain significance (1 of 4 stars; one submission).

Submission:

Ambry Genetics
Classification: Uncertain significance. Last evaluated: 2023-03-05. Review status: criteria provided, single submitter. Criteria: Ambry Variant Classification Scheme 2023. Collection method: clinical testing. Allele origin: germline.
Comment: The p.K1603Q variant (also known as c.4807A>C), located in coding exon 42 of the KIF1B gene, results from an A to C substitution at nucleotide position 4807. The lysine at codon 1603 is replaced by glutamine, an amino acid with similar properties. This amino acid position is conserved. In addition, this alteration is predicted to be tolerated by in silico analysis. Since supporting evidence is limited at this time, the clinical significance of this alteration remains unclear.